The following is an entry in ClinVar:

ClinVar aggregate classification (germline): Benign/Likely benign. Review status: criteria provided, multiple submitters, no conflicts (2 of 4 stars). 9 submissions from 9 submitters: Benign (1); Likely benign (8). Last evaluated 2026-06-01.

Conditions:
Neurofibromatosis, type 1 (NF1). Also called: Peripheral type neurofibromatosis; Neurofibromatosis, type I; VON RECKLINGHAUSEN DISEASE; NEUROFIBROMATOSIS, TYPE I, SOMATIC. Identifiers: Orphanet 636, MedGen C0027831, MONDO:0018975, OMIM 162200. Disease mechanism: loss of function.
Juvenile myelomonocytic leukemia (JMML). Also called: LEUKEMIA, JUVENILE MYELOMONOCYTIC, SOMATIC. Identifiers: Orphanet 86834, MedGen C0349639, MONDO:0011908, OMIM 607785, HP:0012209.
Neurofibromatosis, familial spinal (FSNF). Identifiers: Orphanet 636, MedGen C1834235, MONDO:0008078, OMIM 162210. Disease mechanism: loss of function.
Café-au-lait macules with pulmonary stenosis (WTSN). Also called: PULMONIC STENOSIS WITH CAFE-AU-LAIT SPOTS. Identifiers: MedGen C0553586, MONDO:0008672, OMIM 193520.
Neurofibromatosis-Noonan syndrome (NFNS). Also called: NEUROFIBROMATOSIS WITH NOONAN PHENOTYPE. Identifiers: Orphanet 638, MedGen C2931482, MONDO:0011035, OMIM 601321. Disease mechanism: loss of function.
Hereditary cancer-predisposing syndrome. Also called: Tumor predisposition; Hereditary Cancer Syndrome; Neoplastic Syndromes, Hereditary; Hereditary neoplastic syndrome. Identifiers: Orphanet 140162, MedGen C0027672, MeSH D009386, MONDO:0015356.
Cardiovascular phenotype. Identifiers: MedGen CN230736.

Allele frequency attached by ClinVar (database versions not stated): TOPMed 0.00004; ESP Exome Variant Server 0.00015.
gnomAD v4.1: 14 of 1,613,450 alleles (0.00087%); highest among the groups gnomAD compares: African/African-American, 0.0053%; no homozygotes.

Submissions (9):

CeGaT Center for Human Genetics Tuebingen
Classification: Likely benign. Last evaluated: 2026-06-01. Review status: criteria provided, single submitter. Criteria: CeGaT Center For Human Genetics Tuebingen Variant Classification Criteria Version 2. Collection method: clinical testing. Allele origin: germline. Affected: yes. Observed: 1 variant allele.
Comment: NF1: BP4, BP7

Myriad Genetics, Inc.
Classification: Benign for Neurofibromatosis, type 1. Last evaluated: 2026-05-14. Review status: criteria provided, single submitter. Criteria: Myriad Autosomal Dominant, Autosomal Recessive and X-Linked Classification Criteria (2023). Collection method: clinical testing. Allele origin: unknown.
Comment: This variant is considered benign. This variant is a silent/synonymous amino acid change and it is not expected to impact splicing.

Labcorp Genetics (formerly Invitae), Labcorp
Classification: Likely benign for Neurofibromatosis, type 1. Last evaluated: 2026-01-12. Review status: criteria provided, single submitter. Criteria: Invitae Variant Classification Sherloc (09022015). Collection method: clinical testing. Allele origin: germline.

KCCC/NGS Laboratory, Kuwait Cancer Control Center
Classification: Likely benign for Neurofibromatosis, familial spinal. Last evaluated: 2023-07-07. Review status: criteria provided, single submitter. Criteria: ACMG Guidelines, 2015. Collection method: clinical testing. Allele origin: germline. Affected: yes.

Fulgent Genetics
Classification: Likely benign for Neurofibromatosis, type 1; Neurofibromatosis, familial spinal; Café-au-lait macules with pulmonary stenosis; Neurofibromatosis-Noonan syndrome; Juvenile myelomonocytic leukemia. Last evaluated: 2022-04-29. Review status: criteria provided, single submitter. Criteria: ACMG Guidelines, 2015. Collection method: clinical testing. Allele origin: unknown.

Genome-Nilou Lab
Classification: Likely benign for Neurofibromatosis, type 1. Last evaluated: 2022-03-15. Review status: criteria provided, single submitter. Criteria: ACMG Guidelines, 2015. Collection method: clinical testing. Allele origin: germline. Affected: no.

Blueprint Genetics
Classification: Likely benign. Last evaluated: 2019-11-11. Review status: criteria provided, single submitter. Criteria: ACMG Guidelines, 2015. Collection method: clinical testing. Allele origin: germline.

GeneDx
Classification: Likely benign. Last evaluated: 2017-12-26. Review status: criteria provided, single submitter. Criteria: GeneDx Variant Classification (06012015). Collection method: clinical testing. Allele origin: germline. Affected: yes.
Comment: This variant is considered likely benign or benign based on one or more of the following criteria: it is a conservative change, it occurs at a poorly conserved position in the protein, it is predicted to be benign by multiple in silico algorithms, and/or has population frequency not consistent with disease.

Ambry Genetics
Classification: Likely benign for Cardiovascular phenotype; Hereditary cancer-predisposing syndrome. Last evaluated: 2017-01-10. Review status: criteria provided, single submitter. Criteria: Ambry Variant Classification Scheme 2023. Collection method: clinical testing. Allele origin: germline.

NM_001042492.3(NF1):c.624G>A (p.Ala208=)

Gene: NF1 (neurofibromin 1; plus strand). Cytogenetic location: 17q11.2.
Variant type: single nucleotide variant.
Coding change: c.624G>A on transcript NM_001042492.3 (MANE Select); coding-DNA position 624, G replaced by A.
Protein change: p.Ala208=; no amino-acid change (alanine 208 retained).
Molecular consequence: synonymous variant.
Genome position (GRCh38, 1-based): chr17:31,181,459, G>A. VCF-style: chr17-31181459-G-A. GRCh37 (hg19) VCF-style: chr17-29508477-G-A.
Other names: c.624G>A, p.Ala208= (NM_000267.4, NM_001128147.3).
Identifiers: ClinVar variation 237582 (VCV000237582.20), dbSNP rs370184932, ClinGen allele CA8485574.